The following is an entry in ClinVar:

ClinVar aggregate classification (germline): Likely benign. Review status: criteria provided, multiple submitters, no conflicts (2 of 4 stars). 3 submissions from 3 submitters: Likely benign (2). 1 of the submissions does not count toward it. Last evaluated 2026-01-26.

Conditions:
Brugada syndrome. Also called: Sudden unexpected nocturnal death syndrome; Sudden unexplained nocturnal death syndrome; Sudden Unexplained Death Syndrome; Sudden Unexplained Nocturnal Death Syndrome (SUNDS). Identifiers: Orphanet 130, MedGen C1142166, MONDO:0015263.
Cardiovascular phenotype. Identifiers: MedGen CN230736.
SCN10A-related disorder. Also called: SCN10A-related condition.

Allele frequency attached by ClinVar (database versions not stated): gnomAD exomes 0.00002 and 0.00003; TOPMed 0.00003; ExAC 0.00005; gnomAD 0.00005 and 0.00006; ESP Exome Variant Server 0.00008.
gnomAD v4.1: 60 of 1,613,200 alleles (0.0037%); highest among the groups gnomAD compares: Middle Eastern, 0.016%; no homozygotes.

Submissions (3):

Labcorp Genetics (formerly Invitae), Labcorp
Classification: Likely benign for Brugada syndrome. Last evaluated: 2026-01-26. Review status: criteria provided, single submitter. Criteria: Invitae Variant Classification Sherloc (09022015). Collection method: clinical testing. Allele origin: germline.

Ambry Genetics
Classification: Likely benign for Cardiovascular phenotype. Last evaluated: 2021-01-23. Review status: criteria provided, single submitter. Criteria: Ambry Variant Classification Scheme 2023. Collection method: clinical testing. Allele origin: germline.

PreventionGenetics, part of Exact Sciences
Classification: Likely benign for SCN10A-related condition. Last evaluated: 2020-04-21. Review status: no assertion criteria provided. Collection method: clinical testing. Allele origin: germline. Not counted in ClinVar's aggregate classification.
Comment: This variant is classified as likely benign based on ACMG/AMP sequence variant interpretation guidelines (Richards et al. 2015 PMID: 25741868, with internal and published modifications).

NM_006514.4(SCN10A):c.4212T>C (p.Phe1404=)

Gene: SCN10A (sodium voltage-gated channel alpha subunit 10; minus strand). Cytogenetic location: 3p22.2.
Variant type: single nucleotide variant.
Coding change: c.4212T>C on transcript NM_006514.4 (MANE Select); coding-DNA position 4212, T replaced by C.
Protein change: p.Phe1404=; no amino-acid change (phenylalanine 1404 retained).
Molecular consequence: synonymous variant.
Genome position (GRCh38, 1-based): chr3:38,709,547, A>G on the plus strand (T>C on the coding strand, the complement: SCN10A is on the minus strand). VCF-style: chr3-38709547-A-G. GRCh37 (hg19) VCF-style: chr3-38751038-A-G.
Other names: c.4209T>C, p.Phe1403= (NM_001293306.2); c.3918T>C, p.Phe1306= (NM_001293307.2).
Identifiers: ClinVar variation 695744 (VCV000695744.13), dbSNP rs370960686, ClinGen allele CA2319978.